The following is an entry in ClinVar:

NM_000091.5(COL4A3):c.1102C>T (p.Arg368Cys)

Genes: MFF-DT (MFF divergent transcript; minus strand), COL4A3 (collagen type IV alpha 3 chain; plus strand). Cytogenetic location: 2q36.3.
Variant type: single nucleotide variant.
Coding change: c.1102C>T on transcript NM_000091.5 (MANE Select); coding-DNA position 1102, C replaced by T.
Protein change: p.Arg368Cys; replaces arginine 368 with cysteine.
Molecular consequence: missense variant.
Genome position (GRCh38, 1-based): chr2:227,259,865, C>T. VCF-style: chr2-227259865-C-T. GRCh37 (hg19) VCF-style: chr2-228124581-C-T.
Other names: short protein forms R368C.
Identifiers: ClinVar variation 3015307 (VCV003015307.4), dbSNP rs778397487, ClinGen allele CA2146522.

ClinVar aggregate classification (germline): Uncertain significance. Review status: criteria provided, multiple submitters, no conflicts (2 of 4 stars). 2 submissions from 2 submitters: Uncertain significance (2). Last evaluated 2025-06-12.

Conditions:
Autosomal dominant Alport syndrome (ATS3A). Also called: Alport syndrome dominant type; Renal failure and sensorineural hearing loss; ALPORT SYNDROME 3A, AUTOSOMAL DOMINANT. Identifiers: Orphanet 63, Orphanet 88918, MedGen C5882663, MONDO:0007086, OMIM 104200.
Hematuria, benign familial, 2 (BFH2). Identifiers: MedGen C5830421, MONDO:0958186, OMIM 620320.
Alport syndrome 3b, autosomal recessive. Identifiers: MedGen C5882699, MONDO:0957811, OMIM 620536.

Allele frequency attached by ClinVar (database versions not stated): TOPMed below 0.00001; ExAC 0.00001.

Submissions (2):

Labcorp Genetics (formerly Invitae), Labcorp
Classification: Uncertain significance. Last evaluated: 2025-06-12. Review status: criteria provided, single submitter. Criteria: Invitae Variant Classification Sherloc (09022015). Collection method: clinical testing. Allele origin: germline.
Comment: This sequence change replaces arginine, which is basic and polar, with cysteine, which is neutral and slightly polar, at codon 368 of the COL4A3 protein (p.Arg368Cys). This variant is present in population databases (rs778397487, gnomAD 0.007%). This variant has not been reported in the literature in individuals affected with COL4A3-related conditions. ClinVar contains an entry for this variant (Variation ID: 3015307). Invitae Evidence Modeling of protein sequence and biophysical properties (such as structural, functional, and spatial information, amino acid conservation, physicochemical variation, residue mobility, and thermodynamic stability) has been performed for this missense variant. However, the output from this modeling did not meet the statistical confidence thresholds required to predict the impact of this variant on COL4A3 protein function. In summary, the available evidence is currently insufficient to determine the role of this variant in disease. Therefore, it has been classified as a Variant of Uncertain Significance.

Fulgent Genetics
Classification: Uncertain significance for Autosomal dominant Alport syndrome; Hematuria, benign familial, 2; Alport syndrome 3b, autosomal recessive. Last evaluated: 2024-04-25. Review status: criteria provided, single submitter. Criteria: ACMG Guidelines, 2015. Collection method: clinical testing. Allele origin: germline.